The following is an entry in ClinVar:

ClinVar aggregate classification (germline): Uncertain significance (1 of 4 stars; one submission).

Submission:

Labcorp Genetics (formerly Invitae), Labcorp
Classification: Uncertain significance. Last evaluated: 2021-09-21. Review status: criteria provided, single submitter. Criteria: Invitae Variant Classification Sherloc (09022015). Collection method: clinical testing. Allele origin: germline.
Comment: In summary, the available evidence is currently insufficient to determine the role of this variant in disease. Therefore, it has been classified as a Variant of Uncertain Significance. Algorithms developed to predict the effect of missense changes on protein structure and function (SIFT, PolyPhen-2, Align-GVGD) all suggest that this variant is likely to be tolerated. This variant has not been reported in the literature in individuals affected with HSPG2-related conditions. This variant is not present in population databases (ExAC no frequency). This sequence change replaces aspartic acid with valine at codon 318 of the HSPG2 protein (p.Asp318Val). The aspartic acid residue is weakly conserved and there is a large physicochemical difference between aspartic acid and valine.

NM_005529.7(HSPG2):c.953A>T (p.Asp318Val)

Gene: HSPG2 (heparan sulfate proteoglycan 2; minus strand). Cytogenetic location: 1p36.12.
Variant type: single nucleotide variant.
Coding change: c.953A>T on transcript NM_005529.7 (MANE Select); coding-DNA position 953, A replaced by T.
Protein change: p.Asp318Val; replaces aspartic acid 318 with valine.
Molecular consequence: missense variant.
Genome position (GRCh38, 1-based): chr1:21,887,425, T>A on the plus strand (A>T on the coding strand, the complement: HSPG2 is on the minus strand). VCF-style: chr1-21887425-T-A. GRCh37 (hg19) VCF-style: chr1-22213918-T-A.
Other names: c.953A>T, p.Asp318Val (NM_001291860.2); short protein forms D318V.
Identifiers: ClinVar variation 1523291 (VCV001523291.6), dbSNP rs2152762643, ClinGen allele CA338968850.